The following is an entry in ClinVar:

ClinVar aggregate classification (germline): Uncertain significance (0 of 4 stars; one submission).

Submission:

Biesecker Lab/Clinical Genomics Section, National Institutes of Health
Classification: Uncertain significance. Last evaluated: 2012-07-13. Review status: no assertion criteria provided. Collection method: research. Allele origin: germline. Affected: no. Observed: 1 variant allele. Study: ClinSeq.
ClinVar note: Converted during submission from variant of unknown significance to Uncertain significance.

NM_000077.4:c.35G>A

Gene: CDKN2A (cyclin dependent kinase inhibitor 2A; minus strand). Cytogenetic location: 9p21.3.
Variant type: single nucleotide variant.
Identifiers: ClinVar variation 41576 (VCV000041576.2).